The following is an entry in ClinVar:

NM_000263.4(NAGLU):c.304G>A (p.Ala102Thr)

Gene: NAGLU (N-acetyl-alpha-glucosaminidase; plus strand). Cytogenetic location: 17q21.2.
Variant type: single nucleotide variant.
Coding change: c.304G>A on transcript NM_000263.4 (MANE Select); coding-DNA position 304, G replaced by A.
Protein change: p.Ala102Thr; replaces alanine 102 with threonine.
Molecular consequence: missense variant.
Genome position (GRCh38, 1-based): chr17:42,536,576, G>A. VCF-style: chr17-42536576-G-A. GRCh37 (hg19) VCF-style: chr17-40688594-G-A.
Other names: short protein forms A102T.
Identifiers: ClinVar variation 2124767 (VCV002124767.4), dbSNP rs2510650485, ClinGen allele CA399596026.

ClinVar aggregate classification (germline): Uncertain significance (1 of 4 stars; one submission).

Conditions:
Charcot-Marie-Tooth disease axonal type 2V. Also called: CHARCOT-MARIE-TOOTH NEUROPATHY, TYPE 2V; CHARCOT-MARIE-TOOTH DISEASE, AXONAL, AUTOSOMAL DOMINANT, TYPE 2V. Identifiers: Orphanet 447964, MedGen C5569050, MONDO:0014665, OMIM 616491.
Mucopolysaccharidosis, MPS-III-B (MPS3B). Also called: N-ACETYL-ALPHA-D-GLUCOSAMINIDASE DEFICIENCY; NAGLU DEFICIENCY; SANFILIPPO SYNDROME B; MPS III B; MUCOPOLYSACCHARIDOSIS, TYPE IIIB; MPS IIIB (Sanfilippo Syndrome Type B). Identifiers: Orphanet 79270, MedGen C0086648, MONDO:0009656, OMIM 252920.

Submission:

Labcorp Genetics (formerly Invitae), Labcorp
Classification: Uncertain significance for Charcot-Marie-Tooth disease axonal type 2V; Mucopolysaccharidosis, MPS-III-B. Last evaluated: 2022-10-13. Review status: criteria provided, single submitter. Criteria: Invitae Variant Classification Sherloc (09022015). Collection method: clinical testing. Allele origin: germline.
Comment: This variant is not present in population databases (gnomAD no frequency). This variant has not been reported in the literature in individuals affected with NAGLU-related conditions. Advanced modeling of protein sequence and biophysical properties (such as structural, functional, and spatial information, amino acid conservation, physicochemical variation, residue mobility, and thermodynamic stability) performed at Invitae indicates that this missense variant is expected to disrupt NAGLU protein function. In summary, the available evidence is currently insufficient to determine the role of this variant in disease. Therefore, it has been classified as a Variant of Uncertain Significance. This sequence change replaces alanine, which is neutral and non-polar, with threonine, which is neutral and polar, at codon 102 of the NAGLU protein (p.Ala102Thr).